The following is an entry in ClinVar:

NM_000817.3(GAD1):c.639-1445C>T

Gene: GAD1 (glutamate decarboxylase 1; plus strand). Cytogenetic location: 2q31.1.
Variant type: single nucleotide variant.
Coding change: c.639-1445C>T on transcript NM_000817.3 (MANE Select); 1445 bases into the intron before coding-DNA position 639, C replaced by T.
Molecular consequence: intron variant. On other transcripts: missense variant (1).
Genome position (GRCh38, 1-based): chr2:170,842,600, C>T. VCF-style: chr2-170842600-C-T. GRCh37 (hg19) VCF-style: chr2-171699110-C-T.
Other names: c.670C>T, p.Arg224Trp (NM_013445.4); short protein forms R224W.
Identifiers: ClinVar variation 4983649 (VCV004983649.1).
Genomic context (GRCh38, chr2:170,842,600, plus strand): 5'-GAATCCTTCTCTTCTTCTTCCTTTATCAGGCCATCAGACATGAGGGAGTGTTGGTTGCTA[C>T]GGTGATGGGGCTCAGAGCAGAACCAAAGCATGATTGTGACCTCCAGAGGTGATGGTAACT-3'

ClinVar aggregate classification (germline): Uncertain significance (1 of 4 stars; one submission).

Conditions:
GAD1-related disorder. Also called: GAD1-related condition.

gnomAD v4.1: 28 of 1,613,856 alleles (0.0017%); highest among the groups gnomAD compares: South Asian, 0.0044%; no homozygotes.

Submission:

PreventionGenetics, part of Exact Sciences
Classification: Uncertain significance for GAD1-related condition. Last evaluated: 2025-03-13. Review status: criteria provided, single submitter. Criteria: ACMG Guidelines, 2015. Collection method: clinical testing. Allele origin: germline.
Comment: The GAD1 c.670C>T variant is predicted to result in the amino acid substitution p.Arg224Trp. To our knowledge, this variant has not been reported in the literature. This variant is reported in 0.0065% of alleles in individuals of South Asian descent in gnomAD. At this time, the clinical significance of this variant is uncertain due to the absence of conclusive functional and genetic evidence.